The following is an entry in ClinVar:

ClinVar aggregate classification (germline): Uncertain significance. Review status: criteria provided, multiple submitters, no conflicts (2 of 4 stars). 2 submissions from 2 submitters: Uncertain significance (2). Last evaluated 2024-07-03.

Conditions:
Glycogen storage disease type III (GSD3). Also called: Cori disease; FORBES DISEASE. Identifiers: Orphanet 366, MedGen C0017922, MONDO:0009291, OMIM 232400.

Allele frequency attached by ClinVar (database versions not stated): gnomAD exomes 0.00001.
gnomAD v4.1: 11 of 1,613,752 alleles (0.00068%); highest among the groups gnomAD compares: South Asian, 0.0011%; no homozygotes.

Submissions (2):

Revvity Omics, Revvity
Classification: Uncertain significance for Glycogen storage disease type III. Last evaluated: 2024-07-03. Review status: criteria provided, single submitter. Criteria: ACMG Guidelines, 2015. Collection method: clinical testing. Allele origin: germline.

Labcorp Genetics (formerly Invitae), Labcorp
Classification: Uncertain significance for Glycogen storage disease type III. Last evaluated: 2024-06-25. Review status: criteria provided, single submitter. Criteria: Invitae Variant Classification Sherloc (09022015). Collection method: clinical testing. Allele origin: germline.
Comment: This sequence change replaces lysine, which is basic and polar, with glutamic acid, which is acidic and polar, at codon 451 of the AGL protein (p.Lys451Glu). This variant is present in population databases (no rsID available, gnomAD 0.003%). This variant has not been reported in the literature in individuals affected with AGL-related conditions. ClinVar contains an entry for this variant (Variation ID: 2149792). Advanced modeling of protein sequence and biophysical properties (such as structural, functional, and spatial information, amino acid conservation, physicochemical variation, residue mobility, and thermodynamic stability) performed at Invitae indicates that this missense variant is not expected to disrupt AGL protein function with a negative predictive value of 80%. In summary, the available evidence is currently insufficient to determine the role of this variant in disease. Therefore, it has been classified as a Variant of Uncertain Significance.

NM_000642.3(AGL):c.1351A>G (p.Lys451Glu)

Gene: AGL (amylo-alpha-1,6-glucosidase and 4-alpha-glucanotransferase; plus strand). Cytogenetic location: 1p21.2.
Variant type: single nucleotide variant.
Coding change: c.1351A>G on transcript NM_000642.3 (MANE Select); coding-DNA position 1351, A replaced by G.
Protein change: p.Lys451Glu; replaces lysine 451 with glutamic acid.
Molecular consequence: missense variant.
Genome position (GRCh38, 1-based): chr1:99,876,525, A>G. VCF-style: chr1-99876525-A-G. GRCh37 (hg19) VCF-style: chr1-100342081-A-G.
Other names: c.1351A>G, p.Lys451Glu (NM_000028.3, NM_000643.3, NM_000644.3 and 2 more transcripts); c.1303A>G, p.Lys435Glu (NM_000646.3); c.1150A>G, p.Lys384Glu (NM_001425327.1); c.1147A>G, p.Lys383Glu (NM_001425328.1, NM_001425329.1); c.973A>G, p.Lys325Glu (NM_001425332.1); short protein forms K451E, K435E, K325E, K383E, K384E.
Identifiers: ClinVar variation 2149792 (VCV002149792.4), dbSNP rs1490124737, ClinGen allele CA341346231.